The following is an entry in ClinVar:

NM_012082.4(ZFPM2):c.1210A>C (p.Thr404Pro)

Genes: ZFPM2 (zinc finger protein, FOG family member 2; plus strand), ZFPM2-AS1 (ZFPM2 antisense RNA 1; minus strand). Cytogenetic location: 8q23.1.
Variant type: single nucleotide variant.
Coding change: c.1210A>C on transcript NM_012082.4 (MANE Select); coding-DNA position 1210, A replaced by C.
Protein change: p.Thr404Pro; replaces threonine 404 with proline.
Molecular consequence: missense variant.
Genome position (GRCh38, 1-based): chr8:105,801,292, A>C. VCF-style: chr8-105801292-A-C. GRCh37 (hg19) VCF-style: chr8-106813520-A-C.
Other names: c.1051A>C, p.Thr351Pro (NM_001362836.2); c.814A>C, p.Thr272Pro (NM_001362837.2); short protein forms T351P, T272P, T404P.
Identifiers: ClinVar variation 660176 (VCV000660176.8), dbSNP rs1586283411, ClinGen allele CA371948969.

ClinVar aggregate classification (germline): Uncertain significance (1 of 4 stars; one submission).

Conditions:
46,XY sex reversal 9 (SRXY9). Also called: 46,XY SEX REVERSAL, ZFPM2-RELATED. Identifiers: Orphanet 251510, MedGen C4015129, MONDO:0014480, OMIM 616067.

Submission:

Labcorp Genetics (formerly Invitae), Labcorp
Classification: Uncertain significance for 46,XY sex reversal 9. Last evaluated: 2018-11-15. Review status: criteria provided, single submitter. Criteria: Invitae Variant Classification Sherloc (09022015). Collection method: clinical testing. Allele origin: germline.
Comment: This sequence change replaces threonine with proline at codon 404 of the ZFPM2 protein (p.Thr404Pro). The threonine residue is moderately conserved and there is a small physicochemical difference between threonine and proline. This variant is not present in population databases (ExAC no frequency). This variant has not been reported in the literature in individuals with ZFPM2-related disease. Algorithms developed to predict the effect of missense changes on protein structure and function output the following: SIFT: "Deleterious"; PolyPhen-2: "Benign"; Align-GVGD: "Class C0". The proline amino acid residue is found in multiple mammalian species, suggesting that this missense change does not adversely affect protein function. These predictions have not been confirmed by published functional studies and their clinical significance is uncertain. In summary, the available evidence is currently insufficient to determine the role of this variant in disease. Therefore, it has been classified as a Variant of Uncertain Significance.